The following is an entry in ClinVar:

NM_014994.3(MAPKBP1):c.434G>C (p.Ser145Thr)

Gene: MAPKBP1 (mitogen-activated protein kinase binding protein 1; plus strand). Cytogenetic location: 15q15.1.
Variant type: single nucleotide variant.
Coding change: c.434G>C on transcript NM_014994.3 (MANE Select); coding-DNA position 434, G replaced by C.
Protein change: p.Ser145Thr; replaces serine 145 with threonine.
Molecular consequence: missense variant. On other transcripts: non-coding transcript variant (2).
Genome position (GRCh38, 1-based): chr15:41,812,063, G>C. VCF-style: chr15-41812063-G-C. GRCh37 (hg19) VCF-style: chr15-42104261-G-C.
Other names: c.434G>C, p.Ser145Thr (NM_001128608.2, NM_001265611.2); short protein forms S145T.
Identifiers: ClinVar variation 2019460 (VCV002019460.4), dbSNP rs201007436, ClinGen allele CA391852119.

ClinVar aggregate classification (germline): Uncertain significance (1 of 4 stars; one submission).

Submission:

Labcorp Genetics (formerly Invitae), Labcorp
Classification: Uncertain significance. Last evaluated: 2022-10-24. Review status: criteria provided, single submitter. Criteria: Invitae Variant Classification Sherloc (09022015). Collection method: clinical testing. Allele origin: germline.
Comment: In summary, the available evidence is currently insufficient to determine the role of this variant in disease. Therefore, it has been classified as a Variant of Uncertain Significance. Algorithms developed to predict the effect of missense changes on protein structure and function (SIFT, PolyPhen-2, Align-GVGD) all suggest that this variant is likely to be tolerated. This sequence change replaces serine, which is neutral and polar, with threonine, which is neutral and polar, at codon 145 of the MAPKBP1 protein (p.Ser145Thr). This variant is not present in population databases (gnomAD no frequency). This variant has not been reported in the literature in individuals affected with MAPKBP1-related conditions.